The following is an entry in ClinVar:

NM_000238.4(KCNH2):c.602C>A (p.Thr201Lys)

Gene: KCNH2 (potassium voltage-gated channel subfamily H member 2; minus strand). Cytogenetic location: 7q36.1.
Variant type: single nucleotide variant.
Coding change: c.602C>A on transcript NM_000238.4 (MANE Select); coding-DNA position 602, C replaced by A.
Protein change: p.Thr201Lys; replaces threonine 201 with lysine.
Molecular consequence: missense variant.
Genome position (GRCh38, 1-based): chr7:150,958,373, G>T on the plus strand (C>A on the coding strand, the complement: KCNH2 is on the minus strand). VCF-style: chr7-150958373-G-T. GRCh37 (hg19) VCF-style: chr7-150655461-G-T.
Other names: c.314C>A, p.Thr105Lys (NM_001406753.1, NM_001406756.1); c.425C>A, p.Thr142Lys (NM_001406755.1); c.302C>A, p.Thr101Lys (NM_001406757.1); c.602C>A, p.Thr201Lys (NM_172056.3); short protein forms T105K, T201K, T101K, T142K.
Identifiers: ClinVar variation 2118106 (VCV002118106.4), dbSNP rs794728357, ClinGen allele CA369863143.

ClinVar aggregate classification (germline): Uncertain significance (1 of 4 stars; one submission).

Conditions:
Long QT syndrome (LQTS). Identifiers: MedGen C0023976, MeSH D008133, MONDO:0002442. Disease mechanism: loss of function. Inheritance: Various modes of inheritance.

Submission:

Labcorp Genetics (formerly Invitae), Labcorp
Classification: Uncertain significance for Long QT syndrome. Last evaluated: 2022-03-27. Review status: criteria provided, single submitter. Criteria: Invitae Variant Classification Sherloc (09022015). Collection method: clinical testing. Allele origin: germline.
Comment: In summary, the available evidence is currently insufficient to determine the role of this variant in disease. Therefore, it has been classified as a Variant of Uncertain Significance. Algorithms developed to predict the effect of missense changes on protein structure and function (SIFT, PolyPhen-2, Align-GVGD) all suggest that this variant is likely to be tolerated. This variant has not been reported in the literature in individuals affected with KCNH2-related conditions. This variant is not present in population databases (gnomAD no frequency). This sequence change replaces threonine, which is neutral and polar, with lysine, which is basic and polar, at codon 201 of the KCNH2 protein (p.Thr201Lys).